The following is an entry in ClinVar:

NM_000548.5(TSC2):c.3053T>C (p.Leu1018Pro)

Gene: TSC2 (TSC complex subunit 2; plus strand). Cytogenetic location: 16p13.3.
Variant type: single nucleotide variant.
Coding change: c.3053T>C on transcript NM_000548.5 (MANE Select); coding-DNA position 3053, T replaced by C.
Protein change: p.Leu1018Pro; replaces leucine 1018 with proline.
Molecular consequence: missense variant.
Genome position (GRCh38, 1-based): chr16:2,079,118, T>C. VCF-style: chr16-2079118-T-C. GRCh37 (hg19) VCF-style: chr16-2129119-T-C.
Other names: c.2921T>C, p.Leu974Pro (NM_001077183.3, NM_001370404.1); c.3053T>C, p.Leu1018Pro (NM_001114382.3); c.2813T>C, p.Leu938Pro (NM_001318827.2); c.2777T>C, p.Leu926Pro (NM_001318829.2); c.2321T>C, p.Leu774Pro (NM_001318831.2); c.2954T>C, p.Leu985Pro (NM_001318832.2); c.2924T>C, p.Leu975Pro (NM_001363528.2, NM_001370405.1, NM_021055.3); short protein forms L774P, L926P, L975P, L1018P, L938P, L985P, L974P.
Identifiers: ClinVar variation 1373992 (VCV001373992.8), dbSNP rs2151432741, ClinGen allele CA394284310.

ClinVar aggregate classification (germline): Uncertain significance (1 of 4 stars; one submission).

Conditions:
Tuberous sclerosis 2 (TSC2). Identifiers: Orphanet 805, MedGen C1860707, MONDO:0013199, OMIM 613254.

Submission:

Labcorp Genetics (formerly Invitae), Labcorp
Classification: Uncertain significance for Tuberous sclerosis 2. Last evaluated: 2021-02-18. Review status: criteria provided, single submitter. Criteria: Invitae Variant Classification Sherloc (09022015). Collection method: clinical testing. Allele origin: germline.
Comment: In summary, the available evidence is currently insufficient to determine the role of this variant in disease. Therefore, it has been classified as a Variant of Uncertain Significance. Advanced modeling of protein sequence and biophysical properties (such as structural, functional, and spatial information, amino acid conservation, physicochemical variation, residue mobility, and thermodynamic stability) performed at Invitae indicates that this missense variant is not expected to disrupt TSC2 protein function. This variant has not been reported in the literature in individuals with TSC2-related conditions. This variant is not present in population databases (ExAC no frequency). This sequence change replaces leucine with proline at codon 1018 of the TSC2 protein (p.Leu1018Pro). The leucine residue is moderately conserved and there is a moderate physicochemical difference between leucine and proline.